The following is an entry in ClinVar:

NM_000246.4(CIITA):c.532G>A (p.Asp178Asn)

Gene: CIITA (class II major histocompatibility complex transactivator; plus strand). Cytogenetic location: 16p13.13.
Variant type: single nucleotide variant.
Coding change: c.532G>A on transcript NM_000246.4 (MANE Select); coding-DNA position 532, G replaced by A.
Protein change: p.Asp178Asn; replaces aspartic acid 178 with asparagine.
Molecular consequence: missense variant. On other transcripts: non-coding transcript variant (1), intron variant (3).
Genome position (GRCh38, 1-based): chr16:10,902,088, G>A. VCF-style: chr16-10902088-G-A. GRCh37 (hg19) VCF-style: chr16-10995945-G-A.
Other names: c.535G>A, p.Asp179Asn (NM_001286402.1, NM_001379332.1); c.532G>A, p.Asp178Asn (NM_001379333.1); c.463G>A, p.Asp155Asn (NM_001379334.1); c.484+530G>A (NM_001379330.1); c.481+530G>A (NM_001379331.1, NM_001286403.2); short protein forms D178N, D155N, D179N.
Identifiers: ClinVar variation 2051716 (VCV002051716.3), dbSNP rs573891636, ClinGen allele CA7899798.

ClinVar aggregate classification (germline): Conflicting classifications of pathogenicity. Review status: criteria provided, conflicting classifications (1 of 4 stars). 2 submissions from 2 submitters: Uncertain significance (1); Likely benign (1). Last evaluated 2024-12-12.

Conditions:
Inborn genetic diseases. Identifiers: MedGen C0950123, MeSH D030342.
MHC class II deficiency. Also called: Bare lymphocyte syndrome 2; BLS, TYPE II. Identifiers: Orphanet 572, MedGen C5447452, MONDO:0008855.

Allele frequency attached by ClinVar (database versions not stated): gnomAD exomes 0.00006; ExAC 0.00007; gnomAD 0.00015.
gnomAD v4.1: 114 of 1,614,038 alleles (0.0071%); highest among the groups gnomAD compares: Admixed American, 0.022%; no homozygotes.

Submissions (2):

Labcorp Genetics (formerly Invitae), Labcorp
Classification: Uncertain significance for MHC class II deficiency. Last evaluated: 2024-12-12. Review status: criteria provided, single submitter. Criteria: Invitae Variant Classification Sherloc (09022015). Collection method: clinical testing. Allele origin: germline.
Comment: This sequence change replaces aspartic acid, which is acidic and polar, with asparagine, which is neutral and polar, at codon 178 of the CIITA protein (p.Asp178Asn). This variant is present in population databases (rs573891636, gnomAD 0.02%). This variant has not been reported in the literature in individuals affected with CIITA-related conditions. ClinVar contains an entry for this variant (Variation ID: 2051716). An algorithm developed to predict the effect of missense changes on protein structure and function outputs the following: PolyPhen-2: "Benign". The asparagine amino acid residue is found in multiple mammalian species, which suggests that this missense change does not adversely affect protein function. In summary, the available evidence is currently insufficient to determine the role of this variant in disease. Therefore, it has been classified as a Variant of Uncertain Significance.

Ambry Genetics
Classification: Likely benign for Inborn genetic diseases. Last evaluated: 2024-02-28. Review status: criteria provided, single submitter. Criteria: Ambry Variant Classification Scheme 2023. Collection method: clinical testing. Allele origin: germline.